The following is an entry in ClinVar:

NM_006904.7(PRKDC):c.8935C>G (p.Gln2979Glu)

Gene: PRKDC (protein kinase, DNA-activated, catalytic subunit; minus strand). Cytogenetic location: 8q11.21.
Variant type: single nucleotide variant.
Coding change: c.8935C>G on transcript NM_006904.7 (MANE Select); coding-DNA position 8935, C replaced by G.
Protein change: p.Gln2979Glu; replaces glutamine 2979 with glutamic acid.
Molecular consequence: missense variant.
Genome position (GRCh38, 1-based): chr8:47,821,780, G>C on the plus strand (C>G on the coding strand, the complement: PRKDC is on the minus strand). VCF-style: chr8-47821780-G-C. GRCh37 (hg19) VCF-style: chr8-48734341-G-C.
Other names: c.8935C>G, p.Gln2979Glu (NM_001081640.2); short protein forms Q2979E.
Identifiers: ClinVar variation 2096472 (VCV002096472.4), dbSNP rs2087602831, ClinGen allele CA371141158.
Genomic context (GRCh38, chr8:47,821,780, plus strand): 5'-GGGATGCAAGTTCCCAAAAATCCTTCTCGGCTTCTGTGGGCTCACCATCTACCCAGTCTT[G>C]TTTATTGAGAGCCTAGTGGAGAAAAGTTAATAAAATTATTTTACAAAGTTGGAAAGAATA-3'
Protein context (NP_008835.5, residues 2969-2989): AKQYDEALNK[Gln2979Glu]DWVDGEPTEA

ClinVar aggregate classification (germline): Uncertain significance (1 of 4 stars; one submission).

Conditions:
Severe combined immunodeficiency due to DNA-PKcs deficiency. Also called: IMMUNODEFICIENCY 26 WITH NEUROLOGIC ABNORMALITIES; Immunodeficiency 26 with or without neurologic abnormalities. Identifiers: Orphanet 317425, MedGen C4014833, MONDO:0014423, OMIM 615966.

Submission:

Labcorp Genetics (formerly Invitae), Labcorp
Classification: Uncertain significance for Severe combined immunodeficiency due to DNA-PKcs deficiency. Last evaluated: 2024-02-24. Review status: criteria provided, single submitter. Criteria: Invitae Variant Classification Sherloc (09022015). Collection method: clinical testing. Allele origin: germline.
Comment: This sequence change replaces glutamine, which is neutral and polar, with glutamic acid, which is acidic and polar, at codon 2979 of the PRKDC protein (p.Gln2979Glu). This variant is not present in population databases (gnomAD no frequency). This variant has not been reported in the literature in individuals affected with PRKDC-related conditions. ClinVar contains an entry for this variant (Variation ID: 2096472). Advanced modeling of protein sequence and biophysical properties (such as structural, functional, and spatial information, amino acid conservation, physicochemical variation, residue mobility, and thermodynamic stability) performed at Invitae indicates that this missense variant is not expected to disrupt PRKDC protein function with a negative predictive value of 80%. In summary, the available evidence is currently insufficient to determine the role of this variant in disease. Therefore, it has been classified as a Variant of Uncertain Significance.